The following is an entry in ClinVar:

NM_007325.5(GRIA3):c.533T>C (p.Met178Thr)

Gene: GRIA3 (glutamate ionotropic receptor AMPA type subunit 3; plus strand). Cytogenetic location: Xq25.
Variant type: single nucleotide variant.
Coding change: c.533T>C on transcript NM_007325.5 (MANE Select); coding-DNA position 533, T replaced by C.
Protein change: p.Met178Thr; replaces methionine 178 with threonine.
Molecular consequence: missense variant.
Genome position (GRCh38, 1-based): chrX:123,326,050, T>C. VCF-style: chrX-123326050-T-C. GRCh37 (hg19) VCF-style: chrX-122459901-T-C.
Other names: c.533T>C (NM_000828.4); c.533T>C, p.Met178Thr (NM_000828.5); short protein forms M178T.
Identifiers: ClinVar variation 1976674 (VCV001976674.6), dbSNP rs1199972667, ClinGen allele CA414261078.
Genomic context (GRCh38, chrX:123,326,050, plus strand): 5'-TTTTTAAATCATTGAAGCTGTTTTTCCTTCCTTCAGGATTTTCCATCCTCCAAGCGATTA[T>C]GGAAGCAGCAGTGCAAAACAACTGGCAAGTAACAGCAAGGTCTGTGGGAAACATAAAGGA-3'
Protein context (NP_015564.5, residues 168-188): ERGFSILQAI[Met178Thr]EAAVQNNWQV

ClinVar aggregate classification (germline): Uncertain significance. Review status: criteria provided, multiple submitters, no conflicts (2 of 4 stars). 2 submissions from 2 submitters: Uncertain significance (2). Last evaluated 2025-08-26.

Conditions:
Inborn genetic diseases. Identifiers: MedGen C0950123, MeSH D030342.

Allele frequency attached by ClinVar (database versions not stated): gnomAD exomes below 0.00001.

Submissions (2):

Ambry Genetics
Classification: Uncertain significance for Inborn genetic diseases. Last evaluated: 2025-08-26. Review status: criteria provided, single submitter. Criteria: Ambry Variant Classification Scheme 2023. Collection method: clinical testing. Allele origin: germline.
Comment: The c.533T>C (p.M178T) alteration is located in exon 4 (coding exon 4) of the GRIA3 gene. This alteration results from a T to C substitution at nucleotide position 533, causing the methionine (M) at amino acid position 178 to be replaced by a threonine (T). Based on data from gnomAD, the C allele has an overall frequency of 0.001% (2/183256) total alleles studied, with 0 hemizygotes observed. The highest observed frequency was 0.002% (2/81782) of European (non-Finnish) alleles. This amino acid position is highly conserved in available vertebrate species. This alteration is predicted to be deleterious by in silico analysis. Based on insufficient or conflicting evidence, the clinical significance of this alteration remains unclear.

Labcorp Genetics (formerly Invitae), Labcorp
Classification: Uncertain significance. Last evaluated: 2022-08-20. Review status: criteria provided, single submitter. Criteria: Invitae Variant Classification Sherloc (09022015). Collection method: clinical testing. Allele origin: germline.
Comment: This sequence change replaces methionine, which is neutral and non-polar, with threonine, which is neutral and polar, at codon 178 of the GRIA3 protein (p.Met178Thr). This variant is present in population databases (no rsID available, gnomAD 0.003%). This variant has not been reported in the literature in individuals affected with GRIA3-related conditions. Advanced modeling of protein sequence and biophysical properties (such as structural, functional, and spatial information, amino acid conservation, physicochemical variation, residue mobility, and thermodynamic stability) performed at Invitae indicates that this missense variant is expected to disrupt GRIA3 protein function. In summary, the available evidence is currently insufficient to determine the role of this variant in disease. Therefore, it has been classified as a Variant of Uncertain Significance.